The following is an entry in ClinVar:

ClinVar aggregate classification (germline): Uncertain significance (1 of 4 stars; one submission).

Allele frequency attached by ClinVar (database versions not stated): ExAC 0.00001; gnomAD 0.00002; TOPMed 0.00002.

Submission:

Labcorp Genetics (formerly Invitae), Labcorp
Classification: Uncertain significance. Last evaluated: 2017-09-23. Review status: criteria provided, single submitter. Criteria: Invitae Variant Classification Sherloc (09022015). Collection method: clinical testing. Allele origin: germline.
Comment: In summary, the available evidence is currently insufficient to determine the role of this variant in disease. Therefore, it has been classified as a Variant of Uncertain Significance. The current clinical and genetic evidence is not sufficient to establish whether loss-of-function variants in CRYZ cause disease. This variant has not been reported in the literature in individuals with CRYZ-related disease. This variant is present in population databases (rs745828529, ExAC 0.002%). This sequence change affects the initiator methionine of the CRYZ mRNA. The next in-frame methionine is located at codon 8.

NM_001889.4(CRYZ):c.1A>C (p.Met1Leu)

Gene: CRYZ (crystallin zeta; minus strand). Cytogenetic location: 1p31.1.
Variant type: single nucleotide variant.
Coding change: c.1A>C on transcript NM_001889.4 (MANE Select); coding-DNA position 1, A replaced by C.
Protein change: p.Met1Leu; changes the start codon (methionine 1).
Molecular consequence: missense variant, initiator codon variant. On other transcripts: intron variant (1).
Genome position (GRCh38, 1-based): chr1:74,724,821, T>G on the plus strand (A>C on the coding strand, the complement: CRYZ is on the minus strand). VCF-style: chr1-74724821-T-G. GRCh37 (hg19) VCF-style: chr1-75190505-T-G.
Other names: c.1A>C, p.Met1Leu (NM_001130042.2, NM_001130043.2); c.-136-1551A>C (NM_001134759.2); short protein forms M1L.
Identifiers: ClinVar variation 1003776 (VCV001003776.9), dbSNP rs745828529, ClinGen allele CA911492.